The following is an entry in ClinVar:

NM_005901.6(SMAD2):c.453T>A (p.Tyr151Ter)

Gene: SMAD2 (SMAD family member 2; minus strand). Cytogenetic location: 18q21.1.
Variant type: single nucleotide variant.
Coding change: c.453T>A on transcript NM_005901.6 (MANE Select); coding-DNA position 453, T replaced by A.
Protein change: p.Tyr151Ter; replaces tyrosine 151 with a stop codon.
Molecular consequence: nonsense.
Genome position (GRCh38, 1-based): chr18:47,869,310, A>T on the plus strand (T>A on the coding strand, the complement: SMAD2 is on the minus strand). VCF-style: chr18-47869310-A-T. GRCh37 (hg19) VCF-style: chr18-45395681-A-T.
Other names: c.453T>A, p.Tyr151Ter (NM_001003652.4); c.363T>A, p.Tyr121Ter (NM_001135937.3); short protein forms Y121*, Y151*.
Identifiers: ClinVar variation 3765730 (VCV003765730.1).

ClinVar aggregate classification (germline): Uncertain significance (1 of 4 stars; one submission).

Submission:

Greenwood Genetic Center Diagnostic Laboratories, Greenwood Genetic Center
Classification: Uncertain significance. Last evaluated: 2024-10-25. Review status: criteria provided, single submitter. Criteria: ACMG Guidelines, 2015. Collection method: clinical testing. Allele origin: germline. Affected: yes.
Comment: PM2, BS2